The following is an entry in ClinVar:

NM_020937.4(FANCM):c.1013G>T (p.Arg338Ile)

Gene: FANCM (FA complementation group M; plus strand). Cytogenetic location: 14q21.2.
Variant type: single nucleotide variant.
Coding change: c.1013G>T on transcript NM_020937.4 (MANE Select); coding-DNA position 1013, G replaced by T.
Protein change: p.Arg338Ile; replaces arginine 338 with isoleucine.
Molecular consequence: missense variant.
Genome position (GRCh38, 1-based): chr14:45,151,491, G>T. VCF-style: chr14-45151491-G-T. GRCh37 (hg19) VCF-style: chr14-45620694-G-T.
Other names: c.935G>T, p.Arg312Ile (NM_001308133.2); c.1013G>T, p.Arg338Ile (NM_001308134.2); short protein forms R312I, R338I.
Identifiers: ClinVar variation 4826013 (VCV004826013.1).

ClinVar aggregate classification (germline): Uncertain significance (1 of 4 stars; one submission).

Conditions:
Inborn genetic diseases. Identifiers: MedGen C0950123, MeSH D030342.

Submission:

Ambry Genetics
Classification: Uncertain significance for Inborn genetic diseases. Last evaluated: 2026-03-03. Review status: criteria provided, single submitter. Criteria: Ambry Variant Classification Scheme 2023. Collection method: clinical testing. Allele origin: germline.
Comment: The p.R338I variant (also known as c.1013G>T), located in coding exon 5 of the FANCM gene, results from a G to T substitution at nucleotide position 1013. The arginine at codon 338 is replaced by isoleucine, an amino acid with similar properties. This amino acid position is conserved. In addition, the in silico prediction for this alteration is inconclusive. Based on the available evidence, the clinical significance of this variant remains unclear.